The following is an entry in ClinVar:

NM_020297.4(ABCC9):c.3705dup (p.Ile1236fs)

Genes: KCNJ8-AS1 (KCNJ8 antisense RNA 1; plus strand), ABCC9 (ATP binding cassette subfamily C member 9; minus strand). Cytogenetic location: 12p12.1.
Variant type: Duplication.
Coding change: c.3705dup on transcript NM_020297.4 (MANE Select); coding-DNA position 3705, one base duplicated (T; older notation c.3705dupT).
Protein change: p.Ile1236fs; shifts the reading frame from isoleucine 1236.
Molecular consequence: frameshift variant.
Genome position (GRCh38, 1-based): chr12:21,818,216, A duplicated on the plus strand (T on the coding strand, the reverse complement: ABCC9 is on the minus strand). VCF-style (leftmost placement, unchanged base first): chr12-21818215-T-TA. GRCh37 (hg19) VCF-style: chr12-21971149-T-TA.
Other names: c.3705dup, p.Ile1236fs (NM_001377273.1, NM_005691.4); c.2838dup, p.Ile947fs (NM_001377274.1); short protein forms I1236fs, I947fs.
Identifiers: ClinVar variation 2851164 (VCV002851164.3), dbSNP rs2540887817, ClinGen allele CA2739271891.

ClinVar aggregate classification (germline): Pathogenic (1 of 4 stars; one submission).

Conditions:
Dilated cardiomyopathy 1O (CMD1O). Also called: CARDIOMYOPATHY, DILATED, WITH VENTRICULAR TACHYCARDIA. Identifiers: Orphanet 154, MedGen C1837839, MONDO:0012062, OMIM 608569.

Submission:

Labcorp Genetics (formerly Invitae), Labcorp
Classification: Pathogenic for Dilated cardiomyopathy 1O. Last evaluated: 2024-10-01. Review status: criteria provided, single submitter. Criteria: Invitae Variant Classification Sherloc (09022015). Collection method: clinical testing. Allele origin: germline.
Comment: This sequence change creates a premature translational stop signal (p.Ile1236Tyrfs*5) in the ABCC9 gene. It is expected to result in an absent or disrupted protein product. Loss-of-function variants in ABCC9 are known to be pathogenic (PMID: 31575858, 38217872). This variant is not present in population databases (gnomAD no frequency). This variant has not been reported in the literature in individuals affected with ABCC9-related conditions. Algorithms developed to predict the effect of sequence changes on RNA splicing suggest that this variant may disrupt the consensus splice site. For these reasons, this variant has been classified as Pathogenic.

Literature cited by the submitters: PubMed 31575858; PubMed 38217872.